The following is an entry in ClinVar:

ClinVar aggregate classification (germline): Uncertain significance (1 of 4 stars; one submission).

gnomAD v4.1: 6 of 1,614,070 alleles (0.00037%); highest among the groups gnomAD compares: African/African-American, 0.0013%; no homozygotes.

Submission:

Labcorp Genetics (formerly Invitae), Labcorp
Classification: Uncertain significance. Last evaluated: 2025-11-05. Review status: criteria provided, single submitter. Criteria: Invitae Variant Classification Sherloc (09022015). Collection method: clinical testing. Allele origin: germline.
Comment: This sequence change replaces serine, which is neutral and polar, with asparagine, which is neutral and polar, at codon 113 of the REST protein (p.Ser113Asn). This variant is present in population databases (no rsID available, gnomAD 0.01%). This variant has not been reported in the literature in individuals affected with REST-related conditions. An algorithm developed to predict the effect of missense changes on protein structure and function outputs the following: PolyPhen-2: "Benign". The asparagine amino acid residue is found in multiple mammalian species, which suggests that this missense change does not adversely affect protein function. In summary, the available evidence is currently insufficient to determine the role of this variant in disease. Therefore, it has been classified as a Variant of Uncertain Significance.

NM_005612.5(REST):c.338G>A (p.Ser113Asn)

Gene: REST (RE1 silencing transcription factor; plus strand). Cytogenetic location: 4q12.
Variant type: single nucleotide variant.
Coding change: c.338G>A on transcript NM_005612.5 (MANE Select); coding-DNA position 338, G replaced by A.
Protein change: p.Ser113Asn; replaces serine 113 with asparagine.
Molecular consequence: missense variant.
Genome position (GRCh38, 1-based): chr4:56,910,976, G>A. VCF-style: chr4-56910976-G-A. GRCh37 (hg19) VCF-style: chr4-57777142-G-A.
Other names: c.338G>A, p.Ser113Asn (NM_001193508.2, NM_001363453.3, NM_001440532.1 and 1 more transcripts); short protein forms S113N.
Identifiers: ClinVar variation 4751088 (VCV004751088.1).